The following is an entry in ClinVar:

NM_022167.4(XYLT2):c.1760G>C (p.Gly587Ala)

Gene: XYLT2 (xylosyltransferase 2; plus strand). Cytogenetic location: 17q21.33.
Variant type: single nucleotide variant.
Coding change: c.1760G>C on transcript NM_022167.4 (MANE Select); coding-DNA position 1760, G replaced by C.
Protein change: p.Gly587Ala; replaces glycine 587 with alanine.
Molecular consequence: missense variant.
Genome position (GRCh38, 1-based): chr17:50,357,071, G>C. VCF-style: chr17-50357071-G-C. GRCh37 (hg19) VCF-style: chr17-48434432-G-C.
Other names: short protein forms G587A.
Identifiers: ClinVar variation 4743528 (VCV004743528.1).

ClinVar aggregate classification (germline): Uncertain significance (1 of 4 stars; one submission).

Submission:

Labcorp Genetics (formerly Invitae), Labcorp
Classification: Uncertain significance. Last evaluated: 2025-07-08. Review status: criteria provided, single submitter. Criteria: Invitae Variant Classification Sherloc (09022015). Collection method: clinical testing. Allele origin: germline.
Comment: This sequence change replaces glycine, which is neutral and non-polar, with alanine, which is neutral and non-polar, at codon 587 of the XYLT2 protein (p.Gly587Ala). This variant is not present in population databases (gnomAD no frequency). This variant has not been reported in the literature in individuals affected with XYLT2-related conditions. Invitae Evidence Modeling of protein sequence and biophysical properties (such as structural, functional, and spatial information, amino acid conservation, physicochemical variation, residue mobility, and thermodynamic stability) has been performed for this missense variant. However, the output from this modeling did not meet the statistical confidence thresholds required to predict the impact of this variant on XYLT2 protein function. In summary, the available evidence is currently insufficient to determine the role of this variant in disease. Therefore, it has been classified as a Variant of Uncertain Significance.